The following is an entry in ClinVar:

ClinVar aggregate classification (germline): Uncertain significance (1 of 4 stars; one submission).

Conditions:
Deficiency of iodide peroxidase (TDH2A). Also called: THYROID HORMONOGENESIS, GENETIC DEFECT IN, 2A; THYROID PEROXIDASE DEFICIENCY; Thyroid dyshormonogenesis 2A; HYPOTHYROIDISM, CONGENITAL, DUE TO DYSHORMONOGENESIS, 2A; IODIDE PEROXIDASE DEFICIENCY. Identifiers: Orphanet 95716, MedGen C1291299, MONDO:0010133, OMIM 274500.

Submission:

Centre for Mendelian Genomics, University Medical Centre Ljubljana
Classification: Uncertain significance for Deficiency of iodide peroxidase. Last evaluated: 2016-01-01. Review status: criteria provided, single submitter. Criteria: ACMG Guidelines, 2015. Collection method: clinical testing. Allele origin: unknown. Affected: yes.
Comment: This variant was classified as: Uncertain significance. The following ACMG criteria were applied in classifying this variant: PM2,PM4.

NM_001206744.2(TPO):c.1430_1450del (p.Ala477_Asn483del)

Gene: TPO (thyroid peroxidase; plus strand). Cytogenetic location: 2p25.3.
Variant type: Deletion.
Coding change: c.1430_1450del on transcript NM_001206744.2 (MANE Select); coding-DNA positions 1430 to 1450, 21 bases deleted (CCAACCCCACTGTGTCCAACG).
Protein change: p.Ala477_Asn483del.
Molecular consequence: inframe deletion.
Genome position (GRCh38, 1-based): chr2:1,484,687-1,484,707, CCAACCCCACTGTGTCCAACG deleted; deleting any 21 consecutive bases within chr2:1,484,685-1,484,707 gives the same sequence; the c. name uses the placement nearest the transcript's 3' end. VCF-style (leftmost placement, unchanged base first): chr2-1484684-CCGCCAACCCCACTGTGTCCAA-C. GRCh37 (hg19) VCF-style: chr2-1488456-CCGCCAACCCCACTGTGTCCAA-C.
Other names: c.1430_1450del, p.Ala477_Asn483del (NM_000547.6, NM_001206745.2, NM_175719.4 and 1 more transcripts); c.911_931del, p.Ala304_Asn310del (NM_175722.3); c.1430_1450delCCAACCCCACTGTGTCCAACG (NM_000547.5).
Identifiers: ClinVar variation 930340 (VCV000930340.3), dbSNP rs1670957669, ClinGen allele CA1139655550.